The following is an entry in ClinVar:

NM_002662.5(PLD1):c.2178del (p.Ala727fs)

Gene: PLD1 (phospholipase D1; minus strand). Cytogenetic location: 3q26.31.
Variant type: Deletion.
Coding change: c.2178del on transcript NM_002662.5 (MANE Select); coding-DNA position 2178, one base deleted (A; older notation c.2178delA).
Protein change: p.Ala727fs; shifts the reading frame from alanine 727.
Molecular consequence: frameshift variant.
Genome position (GRCh38, 1-based): chr3:171,674,551, T deleted on the plus strand (A on the coding strand, the reverse complement: PLD1 is on the minus strand). VCF-style (leftmost placement, unchanged base first): chr3-171674550-CT-C. GRCh37 (hg19) VCF-style: chr3-171392340-CT-C.
Other names: c.2064del, p.Ala689fs (NM_001130081.3); short protein forms A689fs, A727fs.
Identifiers: ClinVar variation 2903572 (VCV002903572.3), dbSNP rs771187817, ClinGen allele CA2704346.
Genomic context (GRCh38, chr3:171,674,550, plus strand): 5'-ACTTACTTACCTGTACGTTAGCATGGACAGACCCAGGCACTTGATATCTCAACTCATGGG[CT>C]GTTGTTTGAGACTTTGGAAGCAGAAAAGGATAAGAAAGGGACCGATATTTTGATTTCATA-3'

ClinVar aggregate classification (germline): Pathogenic (1 of 4 stars; one submission).

Allele frequency attached by ClinVar (database versions not stated): gnomAD exomes below 0.00001; ExAC 0.00001; gnomAD 0.00001; TOPMed 0.00005.

Submission:

Labcorp Genetics (formerly Invitae), Labcorp
Classification: Pathogenic. Last evaluated: 2025-08-03. Review status: criteria provided, single submitter. Criteria: Invitae Variant Classification Sherloc (09022015). Collection method: clinical testing. Allele origin: germline.
Comment: This sequence change creates a premature translational stop signal (p.Ala727Profs*4) in the PLD1 gene. It is expected to result in an absent or disrupted protein product. Loss-of-function variants in PLD1 are known to be pathogenic (PMID: 27799408, 33645542). This variant is present in population databases (rs771187817, gnomAD 0.01%). This variant has not been reported in the literature in individuals affected with PLD1-related conditions. ClinVar contains an entry for this variant (Variation ID: 2903572). For these reasons, this variant has been classified as Pathogenic.

Literature cited by the submitters: PubMed 27799408; PubMed 33645542.